The following is an entry in ClinVar:

ClinVar aggregate classification (germline): Uncertain significance (1 of 4 stars; one submission).

Conditions:
Familial hypobetalipoproteinemia 1. Also called: APOB-Related Familial Hypobetalipoproteinemia; Hypobetalipoproteinemia, normotriglyceridemic; Acanthocytosis with hypobetalipoproteinemia. Identifiers: MedGen C4551990, MONDO:0014252, OMIM 615558.
Hypercholesterolemia, autosomal dominant, type B (FHCL2). Also called: Familial Hypercholesterolemia Type B; APOLIPOPROTEIN B-100, FAMILIAL DEFECTIVE; APOLIPOPROTEIN B-100, FAMILIAL LIGAND-DEFECTIVE; HYPERCHOLESTEROLEMIA, FAMILIAL, DUE TO LIGAND-DEFECTIVE APOLIPOPROTEIN B; Hyperlipoproteinemia Type IIb; Familial hypercholesterolemia 2. Identifiers: MedGen C1704417, MONDO:0007751, OMIM 144010.

Submission:

Labcorp Genetics (formerly Invitae), Labcorp
Classification: Uncertain significance for Familial hypobetalipoproteinemia 1; Hypercholesterolemia, autosomal dominant, type B. Last evaluated: 2023-07-22. Review status: criteria provided, single submitter. Criteria: Invitae Variant Classification Sherloc (09022015). Collection method: clinical testing. Allele origin: germline.
Comment: Advanced modeling of protein sequence and biophysical properties (such as structural, functional, and spatial information, amino acid conservation, physicochemical variation, residue mobility, and thermodynamic stability) performed at Invitae indicates that this missense variant is not expected to disrupt APOB protein function. This sequence change replaces aspartic acid, which is acidic and polar, with asparagine, which is neutral and polar, at codon 1432 of the APOB protein (p.Asp1432Asn). This variant is not present in population databases (gnomAD no frequency). This variant has not been reported in the literature in individuals affected with APOB-related conditions. In summary, the available evidence is currently insufficient to determine the role of this variant in disease. Therefore, it has been classified as a Variant of Uncertain Significance.

NM_000384.3(APOB):c.4294G>A (p.Asp1432Asn)

Gene: APOB (apolipoprotein B; minus strand). Cytogenetic location: 2p24.1.
Variant type: single nucleotide variant.
Coding change: c.4294G>A on transcript NM_000384.3 (MANE Select); coding-DNA position 4294, G replaced by A.
Protein change: p.Asp1432Asn; replaces aspartic acid 1432 with asparagine.
Molecular consequence: missense variant.
Genome position (GRCh38, 1-based): chr2:21,012,574, C>T on the plus strand (G>A on the coding strand, the complement: APOB is on the minus strand). VCF-style: chr2-21012574-C-T. GRCh37 (hg19) VCF-style: chr2-21235446-C-T.
Other names: short protein forms D1432N.
Identifiers: ClinVar variation 2946217 (VCV002946217.3), dbSNP rs2465379116, ClinGen allele CA346007204.
Genomic context (GRCh38, chr2:21,012,574, plus strand): 5'-AACCTTTTGAGACTGGGTTGTTTCCAAGTTTTTCTACATGACTGAATTTGATATTCGAAT[C>T]TAGAAATTTGTGGCGTAGAGACCCATCACATGATAGTGTGAACGTATTCTTGTGGTCATA-3'
Protein context (NP_000375.3, residues 1422-1442): CDGSLRHKFL[Asp1432Asn]SNIKFSHVEK